The following is an entry in ClinVar:

ClinVar aggregate classification (germline): Likely benign. Review status: criteria provided, multiple submitters, no conflicts (2 of 4 stars). 3 submissions from 3 submitters: Likely benign (3). Last evaluated 2026-01-19.

Allele frequency attached by ClinVar (database versions not stated): gnomAD exomes 0.00006 and 0.00014; 1000 Genomes Project 0.00020; ESP Exome Variant Server 0.00020; ExAC 0.00031; 1000 Genomes Project 30x 0.00047; TOPMed 0.00050; gnomAD 0.00058 and 0.00061.
gnomAD v4.1: 195 of 1,579,324 alleles (0.012%); highest among the groups gnomAD compares: African/African-American, 0.22%; no homozygotes.

Submissions (3):

Labcorp Genetics (formerly Invitae), Labcorp
Classification: Likely benign. Last evaluated: 2026-01-19. Review status: criteria provided, single submitter. Criteria: Invitae Variant Classification Sherloc (09022015). Collection method: clinical testing. Allele origin: germline.

CeGaT Center for Human Genetics Tuebingen
Classification: Likely benign. Last evaluated: 2025-07-01. Review status: criteria provided, single submitter. Criteria: CeGaT Center For Human Genetics Tuebingen Variant Classification Criteria Version 2. Collection method: clinical testing. Allele origin: germline. Affected: yes. Observed: 2 variant alleles.
Comment: MAGEL2: BP4, BP7

Blueprint Genetics
Classification: Likely benign. Last evaluated: 2024-06-27. Review status: criteria provided, single submitter. Criteria: ACMG Guidelines, 2015. Collection method: clinical testing. Allele origin: germline.

NM_019066.5(MAGEL2):c.1887C>T (p.Pro629=)

Gene: MAGEL2 (MAGE family member L2; minus strand). Cytogenetic location: 15q11.2.
Variant type: single nucleotide variant.
Coding change: c.1887C>T on transcript NM_019066.5 (MANE Select); coding-DNA position 1887, C replaced by T.
Protein change: p.Pro629=; no amino-acid change (proline 629 retained).
Molecular consequence: synonymous variant.
Genome position (GRCh38, 1-based): chr15:23,645,856, G>A on the plus strand (C>T on the coding strand, the complement: MAGEL2 is on the minus strand). VCF-style: chr15-23645856-G-A. GRCh37 (hg19) VCF-style: chr15-23891003-G-A.
Identifiers: ClinVar variation 697705 (VCV000697705.33), dbSNP rs112088736, ClinGen allele CA7430010.